The following is an entry in ClinVar:

NM_000059.4(BRCA2):c.4712_4713del (p.Glu1571fs)

Gene: BRCA2 (BRCA2 DNA repair associated; plus strand). Cytogenetic location: 13q13.1.
Variant type: Microsatellite.
Coding change: c.4712_4713del on transcript NM_000059.4 (MANE Select); coding-DNA positions 4712 to 4713, 2 bases deleted (AG; older notation c.4712_4713delAG).
Protein change: p.Glu1571fs; shifts the reading frame from glutamic acid 1571.
Molecular consequence: frameshift variant.
Genome position (GRCh38, 1-based): chr13:32,339,067-32,339,068, AG deleted; deleting any 2 consecutive bases within chr13:32,339,063-32,339,068 gives the same sequence; the c. name uses the placement nearest the transcript's 3' end. VCF-style (leftmost placement, unchanged base first): chr13-32339062-CAG-C. GRCh37 (hg19) VCF-style: chr13-32913199-CAG-C.
Other names: 4936delAG; 4940_4941delAG; 4940delAG; c.4708_4709delAG (NM_000059.3); short protein forms E1571fs.
Identifiers: ClinVar variation 37919 (VCV000037919.37), dbSNP rs80359464, ClinGen allele CA020694.
Genomic context (GRCh38, chr13:32,339,062, plus strand): 5'-AGAGCAAGGTACTAGTGAAATCACCAGTTTTAGCCATCAATGGGCAAAGACCCTAAAGTA[CAG>C]AGAGGCCTGTAAAGACCTTGAATTAGCATGTGAGACCATTGAGATCACAGCTGCCCCAAA-3'

ClinVar aggregate classification (germline): Pathogenic. Review status: reviewed by expert panel (3 of 4 stars). 15 submissions from 15 submitters: Pathogenic (1). 14 of the submissions do not count toward it. Last evaluated 2016-04-22.

Conditions:
Inherited breast cancer and ovarian cancer.
Breast and/or ovarian cancer. Identifiers: MedGen CN221562.
Hereditary cancer-predisposing syndrome. Also called: Tumor predisposition; Neoplastic Syndromes, Hereditary; Hereditary neoplastic syndrome; Hereditary Cancer Syndrome. Identifiers: Orphanet 140162, MedGen C0027672, MeSH D009386, MONDO:0015356.
Hereditary breast ovarian cancer syndrome. Also called: Hereditary breast and ovarian cancer; Hereditary breast and ovarian cancer syndrome (HBOC); Hereditary breast and/or ovarian cancer syndrome; Breast and ovarian cancer; Hereditary breast and ovarian cancer syndrome; BRCA1- and BRCA2-Associated Hereditary Breast and Ovarian Cancer. Identifiers: Orphanet 145, MedGen C0677776, MeSH D061325, MONDO:0003582. Disease mechanism: loss of function.
Breast-ovarian cancer, familial, susceptibility to, 2 (BROVCA2). Also called: BRCA2 Hereditary Breast and Ovarian Cancer. Identifiers: Orphanet 145, MedGen C2675520, MONDO:0012933, OMIM 612555. Disease mechanism: loss of function.
Familial cancer of breast. Also called: Hereditary breast cancer; BREAST CANCER, FAMILIAL; hereditary breast carcinoma. Identifiers: Orphanet 227535, MedGen C0346153, MONDO:0016419, OMIM 114480. Disease mechanism: loss of function.

Submissions (15):

Evidence-based Network for the Interpretation of Germline Mutant Alleles (ENIGMA)
Classification: Pathogenic for Breast-ovarian cancer, familial, susceptibility to, 2. Last evaluated: 2016-04-22. Review status: reviewed by expert panel. Criteria: ENIGMA BRCA1/2 Classification Criteria (2015). Collection method: curation. Allele origin: germline.
Comment: Variant allele predicted to encode a truncated non-functional protein.

Labcorp Genetics (formerly Invitae), Labcorp
Classification: Pathogenic for Hereditary breast ovarian cancer syndrome. Last evaluated: 2025-08-28. Review status: criteria provided, single submitter. Criteria: Invitae Variant Classification Sherloc (09022015). Collection method: clinical testing. Allele origin: germline. Not counted in ClinVar's aggregate classification.
Comment: This sequence change creates a premature translational stop signal (p.Glu1571Glyfs*3) in the BRCA2 gene. It is expected to result in an absent or disrupted protein product. Loss-of-function variants in BRCA2 are known to be pathogenic (PMID: 20104584). This variant is not present in population databases (gnomAD no frequency). This premature translational stop signal has been observed in individual(s) with breast cancer (PMID: 8640235, 19298662, 21702907). This variant is also known as c.4940_4941delAG, c.4710delAG and c.4936delAG. ClinVar contains an entry for this variant (Variation ID: 37919). For these reasons, this variant has been classified as Pathogenic.

Color Diagnostics, LLC DBA Color Health
Classification: Pathogenic for Hereditary cancer-predisposing syndrome. Last evaluated: 2025-07-07. Review status: criteria provided, single submitter. Criteria: ACMG Guidelines, 2015. Collection method: clinical testing. Allele origin: germline. Not counted in ClinVar's aggregate classification.
Comment: This variant deletes 2 nucleotides in exon 11 of the BRCA2 gene, creating a frameshift and premature translation stop signal. This variant is expected to result in an absent or non-functional protein product. This variant has been reported in individuals affected with breast cancer (PMID: 8640235, 19298662, 32614418) and ovarian cancer (PMID: 32872764). This variant has not been identified in the general population by the Genome Aggregation Database (gnomAD). Loss of BRCA2 function is a known mechanism of disease. Based on the available evidence, this variant is classified as Pathogenic.

Cambridge Genomics Laboratory, East Genomic Laboratory Hub, NHS Genomic Medicine Service
Classification: Pathogenic for Inherited breast cancer and ovarian cancer. Last evaluated: 2025-02-25. Review status: criteria provided, single submitter. Criteria: ACGS Best Practice Guidelines for Variant Classification in Rare Disease 2020. Collection method: clinical testing. Allele origin: germline. Affected: yes. Not counted in ClinVar's aggregate classification.
Comment: PVS1,PM5_Strong

Women's Health and Genetics/Laboratory Corporation of America, LabCorp
Classification: Pathogenic for Hereditary breast ovarian cancer syndrome. Last evaluated: 2025-02-07. Review status: criteria provided, single submitter. Criteria: LabCorp Variant Classification Summary - May 2015. Collection method: clinical testing. Allele origin: germline. Not counted in ClinVar's aggregate classification.
Comment: Variant summary: BRCA2 c.4712_4713delAG (p.Glu1571GlyfsX3) results in a premature termination codon, predicted to cause a truncation of the encoded protein or absence of the protein due to nonsense mediated decay, which are commonly known mechanisms for disease. The variant was absent in 251104 control chromosomes. c.4712_4713delAG has been reported in the literature in individuals affected with Hereditary Breast And Ovarian Cancer Syndrome (e.g. Lancaster_1996, Young_2009, Hondow_2011, Tung_2014). These data indicate that the variant is likely to be associated with disease. To our knowledge, no experimental evidence demonstrating an impact on protein function has been reported. The following publications have been ascertained in the context of this evaluation (PMID: 21702907, 19298662, 25186627, 8640235). ClinVar contains an entry for this variant (Variation ID: 37919). Based on the evidence outlined above, the variant was classified as pathogenic.

Ambry Genetics
Classification: Pathogenic for Hereditary cancer-predisposing syndrome. Last evaluated: 2025-01-21. Review status: criteria provided, single submitter. Criteria: Ambry Variant Classification Scheme 2023. Collection method: clinical testing. Allele origin: germline. Not counted in ClinVar's aggregate classification.
Comment: The c.4712_4713delAG pathogenic mutation, located in coding exon 10 of the BRCA2 gene, results from a deletion of two nucleotides at nucleotide positions 4712 to 4713, causing a translational frameshift with a predicted alternate stop codon (p.E1571Gfs*3). This variant has been reported in multiple individuals with breast and/or ovarian cancer (Rebbeck TR et al. Hum. Mutat. 2018 May;39:593-620; Kalachand RD et al. Obstet Gynecol Sci, 2020 09;63:643-654; Dorling et al. N Engl J Med. 2021 02;384:428-439), as well as in 1/3579 men of African ancestry with prostate cancer (Matejcic M et al. JCO Precis Oncol, 2020 Jan;4:32-43). This variant is considered to be rare based on population cohorts in the Genome Aggregation Database (gnomAD). In addition to the clinical data presented in the literature, this alteration is expected to result in loss of function by premature protein truncation or nonsense-mediated mRNA decay. As such, this alteration is interpreted as a disease-causing mutation.

Molecular Pathology, Peter Maccallum Cancer Centre
Classification: Pathogenic for Breast-ovarian cancer, familial, susceptibility to, 2. Last evaluated: 2024-10-01. Review status: criteria provided, single submitter. Criteria: ACMG Guidelines, 2015. Collection method: clinical testing. Allele origin: germline. Inheritance: Autosomal dominant inheritance. Not counted in ClinVar's aggregate classification.

Baylor Genetics
Classification: Pathogenic for Familial cancer of breast. Last evaluated: 2023-12-15. Review status: criteria provided, single submitter. Criteria: ACMG Guidelines, 2015. Collection method: clinical testing. Allele origin: unknown. Not counted in ClinVar's aggregate classification.

GeneDx
Classification: Pathogenic. Last evaluated: 2023-05-22. Review status: criteria provided, single submitter. Criteria: GeneDx Variant Classification Process June 2021. Collection method: clinical testing. Allele origin: germline. Affected: yes. Not counted in ClinVar's aggregate classification.
Comment: Frameshift variant predicted to result in protein truncation or nonsense mediated decay in a gene for which loss-of-function is a known mechanism of disease; Truncating variants in this gene are considered pathogenic by a well-established clinical consortium and/or database; Not observed in large population cohorts (gnomAD); Also known as 4940_4941delAG, 4936delAG, and c.4708_4709del; Observed in individuals with a personal or family history consistent with pathogenic variants in this gene (Lancaster et al., 1996; Young et al., 2009; Lilyquist et al., 2017; Rebbeck et al., 2018; Dorling et al., 2021); This variant is associated with the following publications: (PMID: 19298662, 8640235, 21702907, 27221827, 33471991, 32832836, 32872764, 28888541, 29446198)

Quest Diagnostics Nichols Institute San Juan Capistrano
Classification: Pathogenic. Last evaluated: 2023-05-17. Review status: criteria provided, single submitter. Criteria: Quest Diagnostics criteria. Collection method: clinical testing. Allele origin: unknown. Not counted in ClinVar's aggregate classification.
Comment: This variant alters the translational reading frame of the BRCA2 mRNA and causes the premature termination of BRCA2 protein synthesis. In the published literature, this variant has been reported in an individual with ovarian cancer (PMID: 32832836 (2020)). Additionally, in a large-scale breast cancer association study, the variant was observed in individuals with breast cancer (PMID: 33471991 (2021), ). This variant has not been reported in large, multi-ethnic general populations (Genome Aggregation Database). Based on the available information, this variant is classified as pathogenic.

CHEO Genetics Diagnostic Laboratory, Children's Hospital of Eastern Ontario
Classification: Pathogenic for Breast and/or ovarian cancer. Last evaluated: 2022-04-11. Review status: criteria provided, single submitter. Criteria: ACMG Guidelines, 2015. Collection method: clinical testing. Allele origin: germline. Not counted in ClinVar's aggregate classification.

Consortium of Investigators of Modifiers of BRCA1/2 (CIMBA), c/o University of Cambridge
Classification: Pathogenic for Breast-ovarian cancer, familial, susceptibility to, 2. Last evaluated: 2015-10-02. Review status: criteria provided, single submitter. Criteria: CIMBA Mutation Classification guidelines May 2016. Collection method: clinical testing. Allele origin: germline. Not counted in ClinVar's aggregate classification.

Research Molecular Genetics Laboratory, Women's College Hospital, University of Toronto
Classification: Pathogenic for Hereditary breast ovarian cancer syndrome. Last evaluated: 2014-01-31. Review status: no assertion criteria provided. Collection method: research. Allele origin: germline. Affected: yes. Study: The Canadian Open Genetics Repository (COGR). Not counted in ClinVar's aggregate classification.

Sharing Clinical Reports Project (SCRP)
Classification: Pathogenic for Breast-ovarian cancer, familial 2. Last evaluated: 2009-08-12. Review status: no assertion criteria provided. Collection method: clinical testing. Allele origin: germline. Not counted in ClinVar's aggregate classification.

Breast Cancer Information Core (BIC) (BRCA2)
Classification: Pathogenic for Breast-ovarian cancer, familial 2. Review status: no assertion criteria provided. Collection method: clinical testing. Allele origin: unknown. Affected: yes. Observed: 1 variant allele. Not counted in ClinVar's aggregate classification.

Literature cited by the submitters: PubMed 20104584 (cited by Labcorp Genetics (formerly Invitae), Labcorp); PubMed 8640235 (cited by 4 submitters); PubMed 19298662 (cited by 3 submitters); PubMed 21702907 (cited by Labcorp Genetics (formerly Invitae), Labcorp and Women's Health and Genetics/Laboratory Corporation of America, LabCorp); PubMed 32614418 (cited by Color Diagnostics, LLC DBA Color Health); PubMed 32872764 (cited by Color Diagnostics, LLC DBA Color Health and Ambry Genetics); PubMed 25186627 (cited by Women's Health and Genetics/Laboratory Corporation of America, LabCorp); PubMed 32832836 (cited by Ambry Genetics and Quest Diagnostics Nichols Institute San Juan Capistrano); PubMed 33471991 (cited by Ambry Genetics and Quest Diagnostics Nichols Institute San Juan Capistrano).